The following is an entry in ClinVar:

ClinVar aggregate classification (germline): Uncertain significance (1 of 4 stars; one submission).

Submission:

Ambry Genetics
Classification: Uncertain significance. Last evaluated: 2026-06-13. Review status: criteria provided, single submitter. Criteria: Ambry Variant Classification Scheme 2023. Collection method: clinical testing. Allele origin: germline.
Comment: The p.V986F variant (also known as c.2956G>T), located in coding exon 1 of the MLH3 gene, results from a G to T substitution at nucleotide position 2956. The valine at codon 986 is replaced by phenylalanine, an amino acid with highly similar properties. This amino acid position is conserved. In addition, this alteration is predicted to be tolerated by in silico analysis. Based on the available evidence, the clinical significance of this variant remains unclear.

NM_001040108.2(MLH3):c.2956G>T (p.Val986Phe)

Gene: MLH3 (mutL homolog 3; minus strand). Cytogenetic location: 14q24.3.
Variant type: single nucleotide variant.
Coding change: c.2956G>T on transcript NM_001040108.2 (MANE Select); coding-DNA position 2956, G replaced by T.
Protein change: p.Val986Phe; replaces valine 986 with phenylalanine.
Molecular consequence: missense variant.
Genome position (GRCh38, 1-based): chr14:75,046,700, C>A on the plus strand (G>T on the coding strand, the complement: MLH3 is on the minus strand). VCF-style: chr14-75046700-C-A. GRCh37 (hg19) VCF-style: chr14-75513403-C-A.
Other names: c.2956G>T, p.Val986Phe (NM_014381.3); short protein forms V986F.
Identifiers: ClinVar variation 4860240 (VCV004860240.1).